The following is an entry in ClinVar:

ClinVar aggregate classification (germline): Uncertain significance (1 of 4 stars; one submission).

Conditions:
Tall stature-scoliosis-macrodactyly of the great toes syndrome. Also called: Epiphyseal chondrodysplasia, miura type. Identifiers: Orphanet 329191, MedGen C4014690, MONDO:0014401, OMIM 615923.
Acromesomelic dysplasia 1, Maroteaux type (AMD1). Also called: ST. HELENA DYSPLASIA; ACROMESOMELIC DYSPLASIA 1. Identifiers: Orphanet 40, MedGen C1864356, MONDO:0011275, OMIM 602875.

Submission:

Labcorp Genetics (formerly Invitae), Labcorp
Classification: Uncertain significance for Tall stature-scoliosis-macrodactyly of the great toes syndrome; Acromesomelic dysplasia 1, Maroteaux type. Last evaluated: 2023-07-07. Review status: criteria provided, single submitter. Criteria: Invitae Variant Classification Sherloc (09022015). Collection method: clinical testing. Allele origin: germline.
Comment: This sequence change replaces asparagine, which is neutral and polar, with serine, which is neutral and polar, at codon 386 of the NPR2 protein (p.Asn386Ser). This variant is not present in population databases (gnomAD no frequency). This variant has not been reported in the literature in individuals affected with NPR2-related conditions. ClinVar contains an entry for this variant (Variation ID: 1908929). Advanced modeling of protein sequence and biophysical properties (such as structural, functional, and spatial information, amino acid conservation, physicochemical variation, residue mobility, and thermodynamic stability) performed at Invitae indicates that this missense variant is not expected to disrupt NPR2 protein function. In summary, the available evidence is currently insufficient to determine the role of this variant in disease. Therefore, it has been classified as a Variant of Uncertain Significance.

NM_003995.4(NPR2):c.1157A>G (p.Asn386Ser)

Gene: NPR2 (natriuretic peptide receptor 2; plus strand). Cytogenetic location: 9p13.3.
Variant type: single nucleotide variant.
Coding change: c.1157A>G on transcript NM_003995.4 (MANE Select); coding-DNA position 1157, A replaced by G.
Protein change: p.Asn386Ser; replaces asparagine 386 with serine.
Molecular consequence: missense variant.
Genome position (GRCh38, 1-based): chr9:35,800,422, A>G. VCF-style: chr9-35800422-A-G. GRCh37 (hg19) VCF-style: chr9-35800419-A-G.
Other names: c.1157A>G, p.Asn386Ser (NM_001378923.1); short protein forms N386S.
Identifiers: ClinVar variation 1908929 (VCV001908929.5), dbSNP rs2491044893, ClinGen allele CA373370594.
Genomic context (GRCh38, chr9:35,800,422, plus strand): 5'-AAGAAAGGACACTCTTTTCTGTCTTAGGTGTAACTGGGCTGGTTGTCATGGACAAGAACA[A>G]TGACCGAGAGACTGACTTTGTCCTCTGGGCCATGGGAGACCTGGATTCTGGGGACTTTCA-3'
Protein context (NP_003986.2, residues 376-396): VTGLVVMDKN[Asn386Ser]DRETDFVLWA